The following is an entry in ClinVar:

NM_213599.3(ANO5):c.851A>T (p.Tyr284Phe)

Gene: ANO5 (anoctamin 5; plus strand). Cytogenetic location: 11p14.3.
Variant type: single nucleotide variant.
Coding change: c.851A>T on transcript NM_213599.3 (MANE Select); coding-DNA position 851, A replaced by T.
Protein change: p.Tyr284Phe; replaces tyrosine 284 with phenylalanine.
Molecular consequence: missense variant.
Genome position (GRCh38, 1-based): chr11:22,239,657, A>T. VCF-style: chr11-22239657-A-T. GRCh37 (hg19) VCF-style: chr11-22261203-A-T.
Other names: c.848A>T, p.Tyr283Phe (NM_001142649.2); c.809A>T, p.Tyr270Phe (NM_001410963.1); c.806A>T, p.Tyr269Phe (NM_001410964.1); short protein forms Y283F, Y284F, Y269F, Y270F.
Identifiers: ClinVar variation 2067054 (VCV002067054.4), dbSNP rs1340338788, ClinGen allele CA379920558.

ClinVar aggregate classification (germline): Uncertain significance (1 of 4 stars; one submission).

Conditions:
Gnathodiaphyseal dysplasia (GDD). Also called: GNATHODIAPHYSEAL SCLEROSIS; OSTEOGENESIS IMPERFECTA WITH UNUSUAL SKELETAL LESIONS. Identifiers: Orphanet 53697, MedGen C1833736, MONDO:0008151, OMIM 166260.
Autosomal recessive limb-girdle muscular dystrophy type 2L (LGMDR12). Also called: MUSCULAR DYSTROPHY, LIMB-GIRDLE, AUTOSOMAL RECESSIVE 12; Limb-girdle muscular dystrophy, type 2L; Limb-Girdle Muscular Dystrophy R12 Anoctamin-5-Related (LGMD-R12). Identifiers: Orphanet 206549, MedGen C1969785, MONDO:0012652, OMIM 611307.

Submission:

Labcorp Genetics (formerly Invitae), Labcorp
Classification: Uncertain significance for Autosomal recessive limb-girdle muscular dystrophy type 2L; Gnathodiaphyseal dysplasia. Last evaluated: 2025-03-17. Review status: criteria provided, single submitter. Criteria: Invitae Variant Classification Sherloc (09022015). Collection method: clinical testing. Allele origin: germline.
Comment: This sequence change replaces tyrosine, which is neutral and polar, with phenylalanine, which is neutral and non-polar, at codon 284 of the ANO5 protein (p.Tyr284Phe). This variant is not present in population databases (gnomAD no frequency). This variant has not been reported in the literature in individuals affected with ANO5-related conditions. ClinVar contains an entry for this variant (Variation ID: 2067054). Invitae Evidence Modeling of protein sequence and biophysical properties (such as structural, functional, and spatial information, amino acid conservation, physicochemical variation, residue mobility, and thermodynamic stability) indicates that this missense variant is not expected to disrupt ANO5 protein function with a negative predictive value of 80%. In summary, the available evidence is currently insufficient to determine the role of this variant in disease. Therefore, it has been classified as a Variant of Uncertain Significance.